The following is an entry in ClinVar:

ClinVar aggregate classification (germline): Uncertain significance (1 of 4 stars; one submission).

Conditions:
Malignant hyperthermia, susceptibility to, 1 (MHS1). Also called: Anesthesia related hyperthermia; Malignant hyperpyrexia; Fulminating hyperpyrexia; Pharmacogenic myopathy; RYR1-Related Malignant Hyperthermia Susceptibility; Malignant hyperthermia suceptibility 1. Identifiers: Orphanet 423, MedGen C2930980, MONDO:0007783, OMIM 145600.

Submission:

All of Us Research Program, National Institutes of Health
Classification: Uncertain significance for Malignant hyperthermia, susceptibility to, 1. Last evaluated: 2023-08-15. Review status: criteria provided, single submitter. Criteria: ACMG Guidelines, 2015. Collection method: clinical testing. Allele origin: germline. Inheritance: Autosomal dominant inheritance. Observed: 1 variant allele, 1 heterozygote.
Comment: This missense variant replaces phenylalanine with isoleucine at codon 4576 of the RYR1 protein. Computational prediction suggests that this variant may have deleterious impact on protein structure and function (internally defined REVEL score threshold >= 0.7, PMID: 27666373). To our knowledge, functional studies have not been reported for this variant. This variant has not been reported in individuals affected with RYR1-related disorders in the literature. This variant has not been identified in the general population by the Genome Aggregation Database (gnomAD). The available evidence is insufficient to determine the role of this variant in disease conclusively. Therefore, this variant is classified as a Variant of Uncertain Significance.

This study involves interpretation of variants in research participants for the purpose of population health screening. Participant phenotype was not available at the time of variant classification. Additional details can be found in publication PMID: 35346344, PMCID: PMC8962531

NM_000540.3(RYR1):c.13726T>A (p.Phe4576Ile)

Gene: RYR1 (ryanodine receptor 1; plus strand). Cytogenetic location: 19q13.2.
Variant type: single nucleotide variant.
Coding change: c.13726T>A on transcript NM_000540.3 (MANE Select); coding-DNA position 13726, T replaced by A.
Protein change: p.Phe4576Ile; replaces phenylalanine 4576 with isoleucine.
Molecular consequence: missense variant.
Genome position (GRCh38, 1-based): chr19:38,570,673, T>A. VCF-style: chr19-38570673-T-A. GRCh37 (hg19) VCF-style: chr19-39061313-T-A.
Other names: c.13711T>A, p.Phe4571Ile (NM_001042723.2); short protein forms F4571I, F4576I.
Identifiers: ClinVar variation 3072892 (VCV003072892.1), dbSNP rs2514707201, ClinGen allele CA405678927.